The following is an entry in ClinVar:

NM_014476.6(PDLIM3):c.240T>G (p.Ile80Met)

Gene: PDLIM3 (PDZ and LIM domain 3; minus strand). Cytogenetic location: 4q35.1.
Variant type: single nucleotide variant.
Coding change: c.240T>G on transcript NM_014476.6 (MANE Select); coding-DNA position 240, T replaced by G.
Protein change: p.Ile80Met; replaces isoleucine 80 with methionine.
Molecular consequence: missense variant. On other transcripts: non-coding transcript variant (1), intron variant (1).
Genome position (GRCh38, 1-based): chr4:185,525,025, A>C on the plus strand (T>G on the coding strand, the complement: PDLIM3 is on the minus strand). VCF-style: chr4-185525025-A-C. GRCh37 (hg19) VCF-style: chr4-186446179-A-C.
Other names: c.240T>G, p.Ile80Met (NM_001114107.5, NM_001257962.2); c.93+10317T>G (NM_001257963.2); short protein forms I80M.
Identifiers: ClinVar variation 3211002 (VCV003211002.2), dbSNP rs376278294, ClinGen allele CA358928448.

ClinVar aggregate classification (germline): Uncertain significance (1 of 4 stars; one submission).

Allele frequency attached by ClinVar (database versions not stated): gnomAD exomes 0.00001.
gnomAD v4.1: 8 of 1,614,152 alleles (0.0005%); highest among the groups gnomAD compares: Admixed American, 0.0017%; no homozygotes.

Submission:

Ambry Genetics
Classification: Uncertain significance. Last evaluated: 2025-02-09. Review status: criteria provided, single submitter. Criteria: Ambry Variant Classification Scheme 2023. Collection method: clinical testing. Allele origin: germline.
Comment: The p.I80M variant (also known as c.240T>G), located in coding exon 2 of the PDLIM3 gene, results from a T to G substitution at nucleotide position 240. The isoleucine at codon 80 is replaced by methionine, an amino acid with highly similar properties. This amino acid position is conserved. In addition, the in silico prediction for this alteration is inconclusive. Based on the available evidence, the clinical significance of this variant remains unclear.